The following is an entry in ClinVar:

ClinVar aggregate classification (germline): Conflicting classifications of pathogenicity. Review status: criteria provided, conflicting classifications (1 of 4 stars). 6 submissions from 6 submitters: Pathogenic (3); Likely pathogenic (1); Uncertain significance (2). Last evaluated 2026-03-18.

Conditions:
RPE65-related recessive retinopathy. Also called: Recessive RPE65 retinopathy. Identifiers: MedGen CN305526, MONDO:0100368.
RPE65-related disorder. Also called: RPE65-related disorders; RPE65-related condition. Identifiers: MedGen CN239301.
Retinitis pigmentosa 20 (RP20). Identifiers: Orphanet 791, MedGen C3151086, MONDO:0013425, OMIM 613794.
Leber congenital amaurosis 2 (LCA2). Also called: Autosomal Recessive RPE65-Related Retinal Degeneration; AMAUROSIS CONGENITA OF LEBER II. Identifiers: Orphanet 65, MedGen C1859844, MONDO:0008765, OMIM 204100. Disease mechanism: loss of function.

Allele frequency attached by ClinVar (database versions not stated): gnomAD exomes below 0.00001; gnomAD 0.00001.
gnomAD v4.1: 3 of 1,614,060 alleles (0.00019%); highest among the groups gnomAD compares: Non-Finnish European, 0.00025%; no homozygotes.

Submissions (6):

Myriad Genetics, Inc.
Classification: Uncertain significance for RPE65-related recessive retinopathy. Last evaluated: 2026-03-18. Review status: criteria provided, single submitter. Criteria: Myriad Autosomal Dominant, Autosomal Recessive and X-Linked Classification Criteria (2023). Collection method: clinical testing. Allele origin: unknown.
Comment: NM_000329.2(RPE65):c.344T>C(I115T) is a missense variant classified as a variant of uncertain significance in the context of inherited retinal dystrophy, RPE65-related. I115T has been observed in cases with relevant disease (PMID: 21211845, 31174678, Lorenz_2021_(Article)). Relevant functional assessments of this variant are available in the literature (PMID: 36265895, Preising_2014_(Abstract)). I115T has not been observed in referenced population frequency databases. In summary, there is insufficient evidence to classify NM_000329.2(RPE65):c.344T>C(I115T) as pathogenic or benign. Please note: this variant was assessed in the context of healthy population screening.

Women's Health and Genetics/Laboratory Corporation of America, LabCorp
Classification: Uncertain significance. Last evaluated: 2025-07-21. Review status: criteria provided, single submitter. Criteria: LabCorp Variant Classification Summary - May 2015. Collection method: clinical testing. Allele origin: germline.
Comment: Variant summary: RPE65 c.344T>C (p.Ile115Thr) results in a non-conservative amino acid change in the encoded protein sequence. Algorithms developed to predict the effect of missense changes on protein structure and function all suggest that this variant is likely to be disruptive. The variant was absent in 251414 control chromosomes. c.344T>C has been observed in individual(s) affected with Leber congenital amaurosis (Schatz_2011, Hull_2016, Ramtohul_2019). These data indicate that the variant may be associated with disease. To our knowledge, no experimental evidence demonstrating an impact on protein function has been reported. The following publications have been ascertained in the context of this evaluation (PMID: 26906952, 31174678, 21211845). ClinVar contains an entry for this variant (Variation ID: 1066633). Based on the evidence outlined above, the variant was classified as VUS-possibly pathogenic.

Center for Genomic Medicine, Rigshospitalet, Copenhagen University Hospital
Classification: Likely pathogenic. Last evaluated: 2025-03-04. Review status: criteria provided, single submitter. Criteria: ACMG Guidelines, 2015. Collection method: clinical testing. Allele origin: germline.

Baylor Genetics
Classification: Pathogenic for Leber congenital amaurosis 2. Last evaluated: 2023-12-13. Review status: criteria provided, single submitter. Criteria: ACMG Guidelines, 2015. Collection method: clinical testing. Allele origin: unknown.

Blueprint Genetics
Classification: Pathogenic for RPE65-related disorders. Last evaluated: 2023-04-17. Review status: criteria provided, single submitter. Criteria: ACMG Guidelines, 2015. Collection method: clinical testing. Allele origin: germline. Affected: yes. Observed: 2 variant alleles.

Labcorp Genetics (formerly Invitae), Labcorp
Classification: Pathogenic for Leber congenital amaurosis 2; Retinitis pigmentosa 20. Last evaluated: 2022-12-31. Review status: criteria provided, single submitter. Criteria: Invitae Variant Classification Sherloc (09022015). Collection method: clinical testing. Allele origin: germline.
Comment: ClinVar contains an entry for this variant (Variation ID: 1066633). This sequence change replaces isoleucine, which is neutral and non-polar, with threonine, which is neutral and polar, at codon 115 of the RPE65 protein (p.Ile115Thr). This variant is not present in population databases (gnomAD no frequency). This missense change has been observed in individual(s) with inherited retinal dystrophy (PMID: 21211845, 26906952, 31174678). In at least one individual the data is consistent with being in trans (on the opposite chromosome) from a pathogenic variant. Advanced modeling of protein sequence and biophysical properties (such as structural, functional, and spatial information, amino acid conservation, physicochemical variation, residue mobility, and thermodynamic stability) has been performed at Invitae for this missense variant, however the output from this modeling did not meet the statistical confidence thresholds required to predict the impact of this variant on RPE65 protein function. Algorithms developed to predict the effect of sequence changes on RNA splicing suggest that this variant may create or strengthen a splice site. For these reasons, this variant has been classified as Pathogenic.

Literature cited by the submitters: PubMed 26906952 (cited by Women's Health and Genetics/Laboratory Corporation of America, LabCorp and Labcorp Genetics (formerly Invitae), Labcorp); PubMed 31174678 (cited by Women's Health and Genetics/Laboratory Corporation of America, LabCorp and Labcorp Genetics (formerly Invitae), Labcorp); PubMed 21211845 (cited by Women's Health and Genetics/Laboratory Corporation of America, LabCorp and Labcorp Genetics (formerly Invitae), Labcorp).

NM_000329.3(RPE65):c.344T>C (p.Ile115Thr)

Gene: RPE65 (retinoid isomerohydrolase RPE65; minus strand). Cytogenetic location: 1p31.3.
Variant type: single nucleotide variant.
Coding change: c.344T>C on transcript NM_000329.3 (MANE Select); coding-DNA position 344, T replaced by C.
Protein change: p.Ile115Thr; replaces isoleucine 115 with threonine.
Molecular consequence: missense variant.
Genome position (GRCh38, 1-based): chr1:68,444,785, A>G on the plus strand (T>C on the coding strand, the complement: RPE65 is on the minus strand). VCF-style: chr1-68444785-A-G. GRCh37 (hg19) VCF-style: chr1-68910468-A-G.
Other names: short protein forms I115T.
Identifiers: ClinVar variation 1066633 (VCV001066633.16), dbSNP rs1645929674, ClinGen allele CA340748119.